The following is an entry in ClinVar:

ClinVar aggregate classification (germline): Pathogenic (1 of 4 stars; one submission).

Submission:

Labcorp Genetics (formerly Invitae), Labcorp
Classification: Pathogenic. Last evaluated: 2023-12-30. Review status: criteria provided, single submitter. Criteria: Invitae Variant Classification Sherloc (09022015). Collection method: clinical testing. Allele origin: unknown.
Comment: This variant is a gross deletion of the genomic region encompassing exon(s) 5-9 of the RIPK1 gene. This deletion is out-of-frame, and is expected to create a premature termination codon and result in an absent or disrupted protein product. Loss-of-function variants in RIPK1 are known to be pathogenic (PMID: 31213653). This variant has not been reported in the literature in individuals affected with RIPK1-related conditions. For these reasons, this variant has been classified as Pathogenic.

Literature cited by the submitters: PubMed 31213653.

NC_000006.11:g.(?_3083299)_(3106305_?)del

Gene: RIPK1 (receptor interacting serine/threonine kinase 1; plus strand). Cytogenetic location: 6p25.2.
Variant type: Deletion.
Identifiers: ClinVar variation 3246172 (VCV003246172.1).